The following is an entry in ClinVar:

NM_001378030.1(CCDC78):c.252C>G (p.Phe84Leu)

Gene: CCDC78 (coiled-coil domain containing 78; minus strand). Cytogenetic location: 16p13.3.
Variant type: single nucleotide variant.
Coding change: c.252C>G on transcript NM_001378030.1 (MANE Select); coding-DNA position 252, C replaced by G.
Protein change: p.Phe84Leu; replaces phenylalanine 84 with leucine.
Molecular consequence: missense variant. On other transcripts: 5 prime UTR variant (1), non-coding transcript variant (5).
Genome position (GRCh38, 1-based): chr16:725,809, G>C on the plus strand (C>G on the coding strand, the complement: CCDC78 is on the minus strand). VCF-style: chr16-725809-G-C. GRCh37 (hg19) VCF-style: chr16-775809-G-C.
Other names: c.252C>G, p.Phe84Leu (NM_001031737.3, NM_001378031.1); c.-34C>G (NM_001378033.1); short protein forms F84L.
Identifiers: ClinVar variation 1017227 (VCV001017227.8), dbSNP rs766553371, ClinGen allele CA7789695.

ClinVar aggregate classification (germline): Uncertain significance (1 of 4 stars; one submission).

Conditions:
Congenital myopathy with internal nuclei and atypical cores. Also called: Myopathy, centronuclear, 4. Identifiers: Orphanet 319160, MedGen C4707232, MONDO:0013890, OMIM 614807.

Submission:

Labcorp Genetics (formerly Invitae), Labcorp
Classification: Uncertain significance for Congenital myopathy with internal nuclei and atypical cores. Last evaluated: 2025-12-11. Review status: criteria provided, single submitter. Criteria: Invitae Variant Classification Sherloc (09022015). Collection method: clinical testing. Allele origin: germline.
Comment: This sequence change replaces phenylalanine, which is neutral and non-polar, with leucine, which is neutral and non-polar, at codon 84 of the CCDC78 protein (p.Phe84Leu). This variant is present in population databases (rs766553371, gnomAD 0.02%). This variant has not been reported in the literature in individuals affected with CCDC78-related conditions. ClinVar contains an entry for this variant (Variation ID: 1017227). Invitae Evidence Modeling of protein sequence and biophysical properties (such as structural, functional, and spatial information, amino acid conservation, physicochemical variation, residue mobility, and thermodynamic stability) has been performed for this missense variant. However, the output from this modeling did not meet the statistical confidence thresholds required to predict the impact of this variant on CCDC78 protein function. In summary, the available evidence is currently insufficient to determine the role of this variant in disease. Therefore, it has been classified as a Variant of Uncertain Significance.